The following is an entry in ClinVar:

ClinVar aggregate classification (germline): Likely pathogenic (1 of 4 stars; one submission).

Conditions:
Usher syndrome type 2A. Also called: RETINAL DISEASE IN USHER SYNDROME TYPE IIA, MODIFIER OF; USHER SYNDROME, TYPE IIA. Identifiers: Orphanet 231178, Orphanet 886, MedGen C1848634, MONDO:0010169, OMIM 276901.

Submission:

Myriad Genetics, Inc.
Classification: Likely pathogenic for Usher syndrome type 2A. Last evaluated: 2022-05-11. Review status: criteria provided, single submitter. Criteria: Myriad Women's Health Autosomal Recessive and X-Linked Classification Criteria (2021). Collection method: clinical testing. Allele origin: unknown.
Comment: NM_206933.2(USH2A):c.14661C>A(Y4887*) is expected to be pathogenic in the context of USH2A-related disorders. This variant is predicted to lead to an abnormal or absent protein product due to the creation of a premature termination codon in USH2A, a gene where loss-of-function variants are known to be pathogenic. Please note: this variant was assessed in the context of healthy population screening.

NM_206933.4(USH2A):c.14661C>A (p.Tyr4887Ter)

Gene: USH2A (usherin; minus strand). Cytogenetic location: 1q41.
Variant type: single nucleotide variant.
Coding change: c.14661C>A on transcript NM_206933.4 (MANE Select); coding-DNA position 14661, C replaced by A.
Protein change: p.Tyr4887Ter; replaces tyrosine 4887 with a stop codon.
Molecular consequence: nonsense.
Genome position (GRCh38, 1-based): chr1:215,647,652, G>T on the plus strand (C>A on the coding strand, the complement: USH2A is on the minus strand). VCF-style: chr1-215647652-G-T. GRCh37 (hg19) VCF-style: chr1-215820994-G-T.
Other names: short protein forms Y4887*.
Identifiers: ClinVar variation 1726041 (VCV001726041.2), dbSNP rs2464811892, ClinGen allele CA344831724.